The following is an entry in ClinVar:

ClinVar aggregate classification (germline): Uncertain significance (1 of 4 stars; one submission).

Conditions:
Epidermolysis bullosa simplex with nail dystrophy (EBS5D). Identifiers: MedGen C4225309, MONDO:0014661, OMIM 616487.
Epidermolysis bullosa simplex, Ogna type (EBS5A). Also called: EPIDERMOLYSIS BULLOSA SIMPLEX 5A, OGNA TYPE; Pidermolysis bullosa simplex 5A, Ogna type. Identifiers: Orphanet 79401, MedGen C0432317, MONDO:0007555, OMIM 131950.
Autosomal recessive limb-girdle muscular dystrophy type 2Q (LGMDR17). Also called: MUSCULAR DYSTROPHY, LIMB-GIRDLE, AUTOSOMAL RECESSIVE 17. Identifiers: Orphanet 254361, MedGen C3150989, MONDO:0013390, OMIM 613723.
Epidermolysis bullosa simplex 5B, with muscular dystrophy (EBS5B). Also called: EPIDERMOLYSIS BULLOSA SIMPLEX AND LIMB-GIRDLE MUSCULAR DYSTROPHY; Epidermolysis bullosa simplex with muscular dystrophy. Identifiers: Orphanet 257, MedGen C2931072, MONDO:0009181, OMIM 226670.
Epidermolysis bullosa simplex 5C, with pyloric atresia (EBS5C). Also called: PLEC-Related Epidermolysis Bullosa with Pyloric Atresia; Epidermolysis bullosa simplex with pyloric atresia; PLEC1-Related Epidermolysis Bullosa with Pyloric Atresia. Identifiers: Orphanet 158684, MedGen C2677349, MONDO:0012807, OMIM 612138.

gnomAD v4.1: 16 of 1,612,492 alleles (0.00099%); highest among the groups gnomAD compares: East Asian, 0.0022%; no homozygotes.

Submission:

Labcorp Genetics (formerly Invitae), Labcorp
Classification: Uncertain significance for Autosomal recessive limb-girdle muscular dystrophy type 2Q; Epidermolysis bullosa simplex, Ogna type; Epidermolysis bullosa simplex with nail dystrophy; Epidermolysis bullosa simplex 5C, with pyloric atresia; Epidermolysis bullosa simplex 5B, with muscular dystrophy. Last evaluated: 2025-04-02. Review status: criteria provided, single submitter. Criteria: Invitae Variant Classification Sherloc (09022015). Collection method: clinical testing. Allele origin: germline.
Comment: This sequence change replaces glutamic acid, which is acidic and polar, with lysine, which is basic and polar, at codon 600 of the PLEC protein (p.Glu600Lys). This variant is present in population databases (no rsID available, gnomAD 0.006%). This variant has not been reported in the literature in individuals affected with PLEC-related conditions. Invitae Evidence Modeling of protein sequence and biophysical properties (such as structural, functional, and spatial information, amino acid conservation, physicochemical variation, residue mobility, and thermodynamic stability) indicates that this missense variant is not expected to disrupt PLEC protein function with a negative predictive value of 80%. In summary, the available evidence is currently insufficient to determine the role of this variant in disease. Therefore, it has been classified as a Variant of Uncertain Significance.

NM_201384.3(PLEC):c.1717G>A (p.Glu573Lys)

Gene: PLEC (plectin; minus strand). Cytogenetic location: 8q24.3.
Variant type: single nucleotide variant.
Coding change: c.1717G>A on transcript NM_201384.3 (MANE Select); coding-DNA position 1717, G replaced by A.
Protein change: p.Glu573Lys; replaces glutamic acid 573 with lysine.
Molecular consequence: missense variant.
Genome position (GRCh38, 1-based): chr8:143,932,813, C>T on the plus strand (G>A on the coding strand, the complement: PLEC is on the minus strand). VCF-style: chr8-143932813-C-T. GRCh37 (hg19) VCF-style: chr8-145006981-C-T.
Other names: c.1798G>A, p.Glu600Lys (NM_000445.5, NM_001410941.1); c.1675G>A, p.Glu559Lys (NM_201378.4); c.1651G>A, p.Glu551Lys (NM_201379.3); c.2128G>A, p.Glu710Lys (NM_201380.4); c.1621G>A, p.Glu541Lys (NM_201381.3); c.1717G>A, p.Glu573Lys (NM_201382.4); c.1729G>A, p.Glu577Lys (NM_201383.3); short protein forms E559K, E551K, E541K, E573K, E577K, E600K, E710K.
Identifiers: ClinVar variation 4788649 (VCV004788649.1).
Genomic context (GRCh38, chr8:143,932,813, plus strand): 5'-CGGCCCACCCCCGCACTGCCCATCGCTCAGCGCCACCCACCTCGTCACTCCGTGCCCGCT[C>T]GATCTTGGCCCGGAATTCTTCGATGGACTGGTGCAGGCCTCGGTGGCTGCCCAGCTGCGC-3'
Protein context (NP_958786.1, residues 563-583): QSIEEFRAKI[Glu573Lys]RARSDEGQLS